The following is an entry in ClinVar:

NM_001367479.1(DNAH14):c.12068C>T (p.Pro4023Leu)

Gene: DNAH14 (dynein axonemal heavy chain 14; plus strand). Cytogenetic location: 1q42.12.
Variant type: single nucleotide variant.
Coding change: c.12068C>T on transcript NM_001367479.1 (MANE Select); coding-DNA position 12068, C replaced by T.
Protein change: p.Pro4023Leu; replaces proline 4023 with leucine.
Molecular consequence: missense variant.
Genome position (GRCh38, 1-based): chr1:225,364,872, C>T. VCF-style: chr1-225364872-C-T. GRCh37 (hg19) VCF-style: chr1-225552574-C-T.
Other names: NM_001373.1:c.11789C>T; short protein forms P4023L.
Identifiers: ClinVar variation 4891424 (VCV004891424.1).

ClinVar aggregate classification (germline): Uncertain significance (1 of 4 stars; one submission).

gnomAD v4.1: 754 of 1,547,306 alleles (0.049%); highest among the groups gnomAD compares: Non-Finnish European, 0.057%; no homozygotes.

Submission:

GeneDx
Classification: Uncertain significance. Last evaluated: 2026-03-05. Review status: criteria provided, single submitter. Criteria: GeneDx Variant Classification Process June 2021. Collection method: clinical testing. Allele origin: germline.
Comment: In silico analysis supports that this missense variant has a deleterious effect on protein structure/function; This variant is associated with the following publications: (PMID: 31186544)